The following is an entry in ClinVar:

ClinVar aggregate classification (germline): Uncertain significance (1 of 4 stars; one submission).

Conditions:
Cardiovascular phenotype. Identifiers: MedGen CN230736.

Submission:

Ambry Genetics
Classification: Uncertain significance for Cardiovascular phenotype. Last evaluated: 2025-04-30. Review status: criteria provided, single submitter. Criteria: Ambry Variant Classification Scheme 2023. Collection method: clinical testing. Allele origin: germline.
Comment: The p.P3281A variant (also known as c.9841C>G), located in coding exon 12 of the ALMS1 gene, results from a C to G substitution at nucleotide position 9841. The proline at codon 3281 is replaced by alanine, an amino acid with highly similar properties. This amino acid position is highly conserved in available vertebrate species. In addition, the in silico prediction for this alteration is inconclusive. Based on the available evidence, the clinical significance of this variant remains unclear.

NM_001378454.1(ALMS1):c.9838C>G (p.Pro3280Ala)

Gene: ALMS1 (ALMS1 centrosome and basal body associated protein; plus strand). Cytogenetic location: 2p13.1.
Variant type: single nucleotide variant.
Coding change: c.9838C>G on transcript NM_001378454.1 (MANE Select); coding-DNA position 9838, C replaced by G.
Protein change: p.Pro3280Ala; replaces proline 3280 with alanine.
Molecular consequence: missense variant.
Genome position (GRCh38, 1-based): chr2:73,534,880, C>G. VCF-style: chr2-73534880-C-G. GRCh37 (hg19) VCF-style: chr2-73762007-C-G.
Other names: c.9841C>G, p.Pro3281Ala (NM_015120.4); short protein forms P3281A, P3280A.
Identifiers: ClinVar variation 4042543 (VCV004042543.1).